The following is an entry in ClinVar:

ClinVar aggregate classification (germline): Uncertain significance. Review status: criteria provided, multiple submitters, no conflicts (2 of 4 stars). 2 submissions from 2 submitters: Uncertain significance (2). Last evaluated 2025-12-22.

Conditions:
Inborn genetic diseases. Identifiers: MedGen C0950123, MeSH D030342.

Allele frequency attached by ClinVar (database versions not stated): gnomAD 0.00001; TOPMed 0.00001.

Submissions (2):

Labcorp Genetics (formerly Invitae), Labcorp
Classification: Uncertain significance. Last evaluated: 2025-12-22. Review status: criteria provided, single submitter. Criteria: Invitae Variant Classification Sherloc (09022015). Collection method: clinical testing. Allele origin: germline.
Comment: This sequence change replaces alanine, which is neutral and non-polar, with glycine, which is neutral and non-polar, at codon 409 of the PAX1 protein (p.Ala409Gly). This variant is not present in population databases (gnomAD no frequency). This variant has not been reported in the literature in individuals affected with PAX1-related conditions. ClinVar contains an entry for this variant (Variation ID: 3208965). Invitae Evidence Modeling of protein sequence and biophysical properties (such as structural, functional, and spatial information, amino acid conservation, physicochemical variation, residue mobility, and thermodynamic stability) indicates that this missense variant is not expected to disrupt PAX1 protein function with a negative predictive value of 80%. In summary, the available evidence is currently insufficient to determine the role of this variant in disease. Therefore, it has been classified as a Variant of Uncertain Significance.

Ambry Genetics
Classification: Uncertain significance for Inborn genetic diseases. Last evaluated: 2023-12-16. Review status: criteria provided, single submitter. Criteria: Ambry Variant Classification Scheme 2023. Collection method: clinical testing. Allele origin: germline.

NM_001257096.2(PAX1):c.1226C>G (p.Ala409Gly)

Gene: PAX1 (paired box 1; plus strand). Cytogenetic location: 20p11.22.
Variant type: single nucleotide variant.
Coding change: c.1226C>G on transcript NM_001257096.2 (MANE Select); coding-DNA position 1226, C replaced by G.
Protein change: p.Ala409Gly; replaces alanine 409 with glycine.
Molecular consequence: missense variant.
Genome position (GRCh38, 1-based): chr20:21,709,388, C>G. VCF-style: chr20-21709388-C-G. GRCh37 (hg19) VCF-style: chr20-21690026-C-G.
Other names: c.1226C>G, p.Ala409Gly (NM_006192.5); short protein forms A409G.
Identifiers: ClinVar variation 3208965 (VCV003208965.2), dbSNP rs1222630068, ClinGen allele CA408499608.